The following is an entry in ClinVar:

ClinVar aggregate classification (germline): Uncertain significance (1 of 4 stars; one submission).

Allele frequency attached by ClinVar (database versions not stated): gnomAD exomes below 0.00001; ExAC 0.00001; TOPMed 0.00002.
gnomAD v4.1: 2 of 1,612,740 alleles (0.00012%); highest among the groups gnomAD compares: Admixed American, 0.0034%; no homozygotes.

Submission:

Ambry Genetics
Classification: Uncertain significance. Last evaluated: 2023-10-26. Review status: criteria provided, single submitter. Criteria: Ambry Variant Classification Scheme 2023. Collection method: clinical testing. Allele origin: germline.
Comment: The p.S135C variant (also known as c.404C>G), located in coding exon 3 of the BUB3 gene, results from a C to G substitution at nucleotide position 404. The serine at codon 135 is replaced by cysteine, an amino acid with dissimilar properties. This amino acid position is conserved. In addition, this alteration is predicted to be tolerated by in silico analysis. Since supporting evidence is limited at this time, the clinical significance of this alteration remains unclear.

NM_004725.4(BUB3):c.404C>G (p.Ser135Cys)

Gene: BUB3 (BUB3 mitotic checkpoint protein; plus strand). Cytogenetic location: 10q26.13.
Variant type: single nucleotide variant.
Coding change: c.404C>G on transcript NM_004725.4 (MANE Select); coding-DNA position 404, C replaced by G.
Protein change: p.Ser135Cys; replaces serine 135 with cysteine.
Molecular consequence: missense variant.
Genome position (GRCh38, 1-based): chr10:123,157,867, C>G. VCF-style: chr10-123157867-C-G. GRCh37 (hg19) VCF-style: chr10-124917383-C-G.
Other names: c.404C>G, p.Ser135Cys (NM_001007793.3); short protein forms S135C.
Identifiers: ClinVar variation 3224499 (VCV003224499.1), dbSNP rs780428660, ClinGen allele CA5731575.